The following is an entry in ClinVar:

NM_000553.6(WRN):c.2019T>C (p.Ile673=)

Gene: WRN (WRN RecQ like helicase; plus strand). Cytogenetic location: 8p12.
Variant type: single nucleotide variant.
Coding change: c.2019T>C on transcript NM_000553.6 (MANE Select); coding-DNA position 2019, T replaced by C.
Protein change: p.Ile673=; no amino-acid change (isoleucine 673 retained).
Molecular consequence: synonymous variant.
Genome position (GRCh38, 1-based): chr8:31,100,886, T>C. VCF-style: chr8-31100886-T-C. GRCh37 (hg19) VCF-style: chr8-30958402-T-C.
Identifiers: ClinVar variation 3005890 (VCV003005890.6), dbSNP rs1233405405, ClinGen allele CA460212778.

ClinVar aggregate classification (germline): Likely benign. Review status: criteria provided, multiple submitters, no conflicts (2 of 4 stars). 3 submissions from 3 submitters: Likely benign (2). 1 of the submissions does not count toward it. Last evaluated 2023-03-23.

Conditions:
WRN-related disorder. Also called: WRN-related condition.
Werner syndrome (WRN). Identifiers: Orphanet 902, MedGen C0043119, MONDO:0010196, OMIM 277700.

Submissions (3):

Labcorp Genetics (formerly Invitae), Labcorp
Classification: Likely benign for Werner syndrome. Last evaluated: 2023-03-23. Review status: criteria provided, single submitter. Criteria: Invitae Variant Classification Sherloc (09022015). Collection method: clinical testing. Allele origin: germline.

Blueprint Genetics
Classification: Likely benign. Last evaluated: 2022-08-09. Review status: criteria provided, single submitter. Criteria: ACMG Guidelines, 2015. Collection method: clinical testing. Allele origin: germline.

PreventionGenetics, part of Exact Sciences
Classification: Likely benign for WRN-related condition. Last evaluated: 2021-07-27. Review status: no assertion criteria provided. Collection method: clinical testing. Allele origin: germline. Not counted in ClinVar's aggregate classification.
Comment: This variant is classified as likely benign based on ACMG/AMP sequence variant interpretation guidelines (Richards et al. 2015 PMID: 25741868, with internal and published modifications).